The following is an entry in ClinVar:

NM_000631.5(NCF4):c.172C>T (p.Arg58Cys)

Genes: NCF4 (neutrophil cytosolic factor 4; plus strand), NCF4-AS1 (NCF4 antisense RNA 1; minus strand). Cytogenetic location: 22q12.3.
Variant type: single nucleotide variant.
Coding change: c.172C>T on transcript NM_000631.5 (MANE Select); coding-DNA position 172, C replaced by T.
Protein change: p.Arg58Cys; replaces arginine 58 with cysteine.
Molecular consequence: missense variant.
Genome position (GRCh38, 1-based): chr22:36,864,973, C>T. VCF-style: chr22-36864973-C-T. GRCh37 (hg19) VCF-style: chr22-37261015-C-T.
Other names: c.172C>T, p.Arg58Cys (NM_013416.4); short protein forms R58C.
Identifiers: ClinVar variation 500837 (VCV000500837.25), dbSNP rs143532979, ClinGen allele CA10212881.

ClinVar aggregate classification (germline): Conflicting classifications of pathogenicity. Review status: criteria provided, conflicting classifications (1 of 4 stars). 7 submissions from 7 submitters: Uncertain significance (1); Benign (3); Likely benign (2). 1 of the submissions does not count toward it. Last evaluated 2026-02-01.

Conditions:
NCF4-related disorder. Also called: NCF4-related condition.
Granulomatous disease, chronic, autosomal recessive, cytochrome b-positive, type 3. Also called: GRANULOMATOUS DISEASE, CHRONIC, AUTOSOMAL RECESSIVE, 3; GRANULOMATOUS DISEASE, CHRONIC, DUE TO NCF4 DEFICIENCY; Granulomatous disease, chronic, autosomal recessive, cytochrome b-positive, type III; CGD, AUTOSOMAL RECESSIVE CYTOCHROME b-POSITIVE, TYPE III. Identifiers: Orphanet 379, MedGen C3151409, MONDO:0013507, OMIM 613960.

Allele frequency attached by ClinVar (database versions not stated): gnomAD exomes 0.00034 and 0.00140; TOPMed 0.00083; ExAC 0.00103; gnomAD 0.00103 and 0.00104; 1000 Genomes Project 0.00120; 1000 Genomes Project 30x 0.00125.
gnomAD v4.1: 651 of 1,614,114 alleles (0.04%); highest among the groups gnomAD compares: Admixed American, 0.89%; 6 homozygotes.

Submissions (7):

Labcorp Genetics (formerly Invitae), Labcorp
Classification: Benign for Granulomatous disease, chronic, autosomal recessive, cytochrome b-positive, type 3. Last evaluated: 2026-02-01. Review status: criteria provided, single submitter. Criteria: Invitae Variant Classification Sherloc (09022015). Collection method: clinical testing. Allele origin: germline.

Blueprint Genetics
Classification: Likely benign. Last evaluated: 2024-06-10. Review status: criteria provided, single submitter. Criteria: ACMG Guidelines, 2015. Collection method: clinical testing. Allele origin: germline.

Women's Health and Genetics/Laboratory Corporation of America, LabCorp
Classification: Benign. Last evaluated: 2022-07-01. Review status: criteria provided, single submitter. Criteria: LabCorp Variant Classification Summary - May 2015. Collection method: clinical testing. Allele origin: germline.
Comment: Variant summary: NCF4 c.172C>T (p.Arg58Cys) results in a non-conservative amino acid change located in the phox homology domain (IPR001683) of the encoded protein sequence. Four of five in-silico tools predict a damaging effect of the variant on protein function. The variant allele was found at a frequency of 0.0014 in 251398 control chromosomes (gnomAD), predominantly at a frequency of 0.0095 within the Latino subpopulation in the gnomAD database, including 3 homozygotes. The observed variant frequency within Latino control individuals in the gnomAD database is approximately 38-fold of the estimated maximal expected allele frequency for a pathogenic variant in NCF4 causing Chronic Granulomatous Disease (0.00025), strongly suggesting that the variant is a benign polymorphism found primarily in populations of Latino origin. To our knowledge no penetrant association of c.172C>T has been reported in individuals affected with Chronic Granulomatous Disease; 5 homozygous individuals of Latino origin were reported by van de Geer_2018, two unrelated individuals that appeared to have a mild phenotype resembling atypical Granulomatous disease, and three unaffected siblings. At least one study evaluated the impact of the variant on protein function, but found little evidence of functional impairment (van de Geer_2018). Four assessments for this variant have been submitted to ClinVar after 2014. Three submitters classified the variant as benign/likely benign and one classified it as VUS. Based on the evidence outlined above, the variant was classified as benign.

Mayo Clinic Laboratories, Mayo Clinic
Classification: Uncertain significance. Last evaluated: 2021-05-18. Review status: criteria provided, single submitter. Criteria: ACMG Guidelines, 2015. Collection method: clinical testing. Allele origin: germline.

GeneDx
Classification: Likely benign. Last evaluated: 2021-02-23. Review status: criteria provided, single submitter. Criteria: GeneDx Variant Classification Process June 2021. Collection method: clinical testing. Allele origin: germline. Affected: yes.
Comment: This variant is associated with the following publications: (PMID: 29969437, 32181279)

Eurofins Ntd Llc (ga)
Classification: Benign. Last evaluated: 2017-04-03. Review status: criteria provided, single submitter. Criteria: EGL Classification Definitions 2015. Collection method: clinical testing. Allele origin: germline. Observed: 1 variant allele, 1 heterozygote.

PreventionGenetics, part of Exact Sciences
Classification: Likely benign for NCF4-related condition. Last evaluated: 2019-12-19. Review status: no assertion criteria provided. Collection method: clinical testing. Allele origin: germline. Not counted in ClinVar's aggregate classification.
Comment: This variant is classified as likely benign based on ACMG/AMP sequence variant interpretation guidelines (Richards et al. 2015 PMID: 25741868, with internal and published modifications).

Literature cited by the submitters: PubMed 29969437 (cited by Women's Health and Genetics/Laboratory Corporation of America, LabCorp).